The following is an entry in ClinVar:

ClinVar aggregate classification (germline): Pathogenic (1 of 4 stars; one submission).

Conditions:
Peutz-Jeghers syndrome (PJS). Also called: Peutz-Jeghers polyposis; Periorificial lentiginosis syndrome; POLYPOSIS, HAMARTOMATOUS INTESTINAL; POLYPS-AND-SPOTS SYNDROME. Identifiers: Orphanet 2869, MedGen C0031269, MeSH D010580, MONDO:0008280, OMIM 175200.

Submission:

Labcorp Genetics (formerly Invitae), Labcorp
Classification: Pathogenic for Peutz-Jeghers syndrome. Last evaluated: 2016-11-13. Review status: criteria provided, single submitter. Criteria: Invitae Variant Classification Sherloc (09022015). Collection method: clinical testing. Allele origin: germline.
Comment: For these reasons, this variant has been classified as Pathogenic. This sequence change creates a premature translational stop signal at codon 312 (p.Lys312Thrfs*5) of the STK11 gene. It is expected to result in an absent or disrupted protein product. While this particular variant has not been reported in the literature, loss-of-function variants in STK11 are known to be pathogenic (PMID: 15188174, 16287113).

Literature cited by the submitters: PubMed 15188174; PubMed 16287113.

NM_000455.5(STK11):c.935_936del (p.Lys312fs)

Gene: STK11 (serine/threonine kinase 11; plus strand). Cytogenetic location: 19p13.3.
Variant type: Deletion.
Coding change: c.935_936del on transcript NM_000455.5 (MANE Select); coding-DNA positions 935 to 936, 2 bases deleted (AA; older notation c.935_936delAA).
Protein change: p.Lys312fs; shifts the reading frame from lysine 312.
Molecular consequence: frameshift variant.
Genome position (GRCh38, 1-based): chr19:1,222,999-1,223,000, AA deleted; deleting any 2 consecutive bases within chr19:1,222,998-1,223,000 gives the same sequence; the c. name uses the placement nearest the transcript's 3' end. VCF-style (leftmost placement, unchanged base first): chr19-1222997-GAA-G. GRCh37 (hg19) VCF-style: chr19-1222996-GAA-G.
Other names: c.935_936delAA (NM_000455.4); short protein forms K312fs.
Identifiers: ClinVar variation 403780 (VCV000403780.6), dbSNP rs397518443, ClinGen allele CA16616012.